The following continues an entry in ClinVar:

NM_002834.5(PTPN11):c.184T>G (p.Tyr62Asp)

Gene: PTPN11. ClinVar aggregate classification (germline): Pathogenic. Pathogenic (1).

Submissions 7 to 15 of 30:

3billion
Classification: Pathogenic for Noonan syndrome 1. Last evaluated: 2025-05-27. Review status: criteria provided, single submitter. Criteria: ACMG Guidelines, 2015. Collection method: clinical testing. Allele origin: germline. Affected: yes. Not counted in ClinVar's aggregate classification.
Comment: The variant is not observed in the gnomAD v4.1.0 dataset. Predicted Consequence/Location: The variant is located in a mutational hot spot and/or well-established functional domain in which established pathogenic variants have been reported. Missense variant. Missense changes are a common disease-causing mechanism. Functional studies provide strong evidence of the variant having a damaging effect on the gene or gene product (PMID: 22711529). In silico tool predictions suggest damaging effect of the variant on gene or gene product [REVEL: 0.90 (>=0.6, sensitivity 0.68 and specificity 0.92); 3Cnet: 1.00 (> 0.75, sensitivity 0.96 and precision 0.92)]. The same nucleotide change resulting in the same amino acid change has been previously reported as pathogenic/likely pathogenic with strong evidence (ClinVar ID: VCV000013329 /PMID: 11992261 /3billion dataset). The variant has been previously reported as de novo in a similarly affected individual (PMID: 25533962). The variant has been observed in multiple (>3) similarly affected unrelated individuals (PMID: 11992261, 12325025, 17020470, 17339163, 19077116, 19352411, 26817465, 31560489, 32164556). The variant has been previously reported as assumed (i.e. paternity and maternity not confirmed) de novo in at least one similarly affected unrelated individual (PMID: 12325025 /3billion dataset). Different missense changes at the same codon (p.Tyr62Asn, p.Tyr62Cys, p.Tyr62His, p.Tyr62Ser) have been reported as pathogenic/likely pathogenic with strong evidence (ClinVar ID: VCV001485945, VCV002756656, VCV003337999 /PMID: 16358218, 21407260 /3billion dataset). Therefore, this variant is classified as Pathogenic according to the recommendation of ACMG/AMP guideline.

Clinical Genomics Laboratory, Washington University in St. Louis
Classification: Pathogenic for Noonan syndrome 1. Last evaluated: 2024-09-20. Review status: criteria provided, single submitter. Criteria: ACMG Guidelines, 2015. Collection method: clinical testing. Allele origin: germline. Affected: yes. Not counted in ClinVar's aggregate classification.
Comment: The PTPN11 c.184T>G (p.Tyr62Asp) variant has been reported in over 20 individuals affected with Noonan syndrome and the variant reportedly occurred de novo in at least two reported individuals (Athota JP et al., PMID: 32164556; Atik T et al., 26817465; Bertola DR et al., PMID: 17020470; Chinton J et al., PMID: 31560489; Hung CS et al., PMID: 17339163; Maheshwari M et al., PMID: 12325025; Pierpont EI et al., PMID: 19077116; Tartaglia M et al., PMID: 11992261; Yoshida R et al., PMID: 15240615). This variant is absent from the general population (gnomAD v.2.1.1), indicating it is not a common variant. This variant resides within the N-SH2 domain, amino acids 112-216, of PTPN11 is defined as a critical functional domain and functional studies show c.184T>G disrupts the autoinhibitory interaction between the N-SH2 and PTP domains, indicating that this variant impacts protein function (Martinelli S et al., PMID: 22711529). Computational predictors indicate that the variant is damaging, evidence that correlates with impact on PTPN11 function. Other variants in the same codon, p.Thr62His, p.Try62Asn, p.Tyr62Ser, have been reported as likely pathogenic (Tartaglia M et al., PMID: 16358218; ClinVar Variation IDs:3337999, 1485945, 2756656). This variant has been classified in the ClinVar database by an expert panel and at least 20 additional submitters as pathogenic. Based on available information and the ACMG/AMP guidelines for variant interpretation (Richards S et al., PMID: 25741868), this variant is classified as pathogenic.

Daryl Scott Lab, Baylor College of Medicine
Classification: Pathogenic for PTPN11-related disorder. Last evaluated: 2024-04-01. Review status: criteria provided, single submitter. Criteria: ACMG Guidelines, 2015. Collection method: clinical testing. Allele origin: maternal. Affected: yes. Observed: 1 heterozygote. Not counted in ClinVar's aggregate classification.
Comment: PM2, PS4, PM6, PS3, PM1, PP3, PP2

Blueprint Genetics
Classification: Pathogenic for PTPN11-related disorders. Last evaluated: 2023-07-26. Review status: criteria provided, single submitter. Criteria: ACMG Guidelines, 2015. Collection method: clinical testing. Allele origin: germline. Affected: yes. Observed: 5 variant alleles. Not counted in ClinVar's aggregate classification.

Division of Human Genetics, National Health Laboratory Service/University of the Witwatersrand
Classification: Pathogenic for RASopathy. Last evaluated: 2023-07-01. Review status: criteria provided, single submitter. Criteria: ACMG Guidelines, 2015. Collection method: research. Allele origin: germline. Affected: yes. Not counted in ClinVar's aggregate classification.

Neuberg Centre For Genomic Medicine, NCGM
Classification: Pathogenic for Noonan syndrome 1. Last evaluated: 2023-05-20. Review status: criteria provided, single submitter. Criteria: ACMG Guidelines, 2015. Collection method: clinical testing. Allele origin: germline. Inheritance: Autosomal dominant inheritance. Affected: yes. Not counted in ClinVar's aggregate classification.
Comment: The observed missense variant c.184T>G(p.Tyr62Asp) in PTPN11 gene has been reported in heterozygous state in multiple individuals with Noonan-like/multiple giant cell syndrome and Noonan syndrome (Athota JP, et al., 2020, Chinton J, et al., 2019). Experimental studies demonstrate a profound effect on protein structure leading to re-arrangement and upregulation of its function, specifically by destabilizing the autoinhibited conformation of the SHP2 protein (Martinelli S, et al., 2012). The c.184T>G variant is absent in gnomAD Exomes. This variant has been submitted to the ClinVar database as Pathogenic (multiple submissions).The amino acid Tyrosine at position 62 is changed to a Aspartic acid changing protein sequence and it might alter its composition and physico-chemical properties. Multiple lines of computational evidence (Polyphen, SIFT and MutationTaster) predict a damaging effect on protein structure and function for this variant. The amino acid change p.Tyr62Asp in PTPN11 is predicted as conserved by GERP++ and PhyloP across 100 vertebrates. For these reasons, this variant has been classified as Pathogenic.

Mayo Clinic Laboratories, Mayo Clinic
Classification: Pathogenic. Last evaluated: 2022-02-21. Review status: criteria provided, single submitter. Criteria: ACMG Guidelines, 2015. Collection method: clinical testing. Allele origin: germline. Observed: 6 variant alleles. Not counted in ClinVar's aggregate classification.
Comment: PS4, PS3, PM6

Victorian Clinical Genetics Services, Murdoch Childrens Research Institute
Classification: Pathogenic for Noonan syndrome 1. Last evaluated: 2022-02-02. Review status: criteria provided, single submitter. Criteria: ACMG Guidelines, 2015. Collection method: clinical testing. Allele origin: germline. Inheritance: Autosomal dominant inheritance. Affected: yes. Not counted in ClinVar's aggregate classification.
Comment: Based on the classification scheme VCGS_Germline_v1.3.4, this variant is classified as Pathogenic. Following criteria are met: 0103 - Loss of function and gain of function are known mechanisms of disease in this gene and are associated with Metachondromatosis (MIM#156250) and Noonan syndrome 1 with or without multiple lentigines (MIM#151100, 163950), respectively (PMID: 21533187, 11992261, 24935154). (I) 0107 - This gene is associated with autosomal dominant disease. Missense variants clustered between N-SH2 and PTP domains have been reported in Noonan syndrome 1 (MIM #163950; PMID: 11992261), except variants in the active site of the PTP domain, which have been reported in Noonan syndrome with multiple lentigines (PMID: 24935154). Null variants have been reported in metachondromatosis individuals (MIM #156250; PMID: 21533187). (I) 0200 - Variant is predicted to result in a missense amino acid change from tyrosine to aspartic acid. (I) 0251 - This variant is heterozygous. (I) 0301 - Variant is absent from gnomAD (both v2 and v3). (SP) 0309 – Multiple alternative amino acid changes at the same position has been observed in gnomAD (highest allele count: 5 heterozygotes, 0 homozygotes). (I) 0501 - Missense variant consistently predicted to be damaging by multiple in silico tools or highly conserved with a major amino acid change. (SP) 0602 - Variant is located in a hotspot region or cluster of pathogenic variants (DECIPHER, PMID: 22711529). (SP) 0801 - This variant has strong previous evidence of pathogenicity in unrelated individuals. It is a recurrent variant reported in Noonan syndrome 1 (MIM#163950) and classified as pathogenic by an expert panel in ClinVar (PMID: 22711529 ). (SP) 1208- Inheritance information for this variant is not currently available in this individual. (I) Legend: (SP) - Supporting pathogenic, (I) - Information, (SB) - Supporting benign

GeneDx
Classification: Pathogenic. Last evaluated: 2021-11-03. Review status: criteria provided, single submitter. Criteria: GeneDx Variant Classification Process June 2021. Collection method: clinical testing. Allele origin: germline. Affected: yes. Not counted in ClinVar's aggregate classification.
Comment: Published functional studies demonstrate a profound effect on protein structure leading to re-arrangement and upregulation of its function, specifically by destabilizing the autoinhibited conformation of the SHP2 protein (Martinelli et al., 2012); The majority of missense variants in this gene are considered pathogenic (HGMD); In silico analysis supports that this missense variant has a deleterious effect on protein structure/function; Not observed in large population cohorts (gnomAD); This variant is associated with the following publications: (PMID: 19077116, 28607217, 25337068, 19020799, 32164556, 24033266, 16358218, 15928039, 19352411, 17020470, 12717436, 12325025, 11992261, 24803665, 25533962, 22711529, 26817465, 29555671, 29670795, 28135719, 15240615, 28191890, 28991257, 30417923, 30050098, 29907801, 31219622, 31560489, 33300679, 32901917, 32368696, 31785789)